The following is an entry in ClinVar:

ClinVar aggregate classification (germline): Benign/Likely benign. Review status: criteria provided, multiple submitters, no conflicts (2 of 4 stars). 6 submissions from 6 submitters: Benign (4); Likely benign (2). Last evaluated 2026-07-16.

Conditions:
Inborn genetic diseases. Identifiers: MedGen C0950123, MeSH D030342.
Proline dehydrogenase deficiency (HYRPRO1). Also called: Hyperprolinemia type 1; PROLINE OXIDASE DEFICIENCY. Identifiers: Orphanet 419, MedGen C0268529, MONDO:0009400, OMIM 239500.

Allele frequency attached by ClinVar (database versions not stated): 1000 Genomes Project 0.55331; gnomAD exomes 0.56125; ExAC 0.66535.

Submissions (11):

Ambry Genetics
Classification: Likely benign for Inborn genetic diseases. Last evaluated: 2026-07-16. Review status: criteria provided, single submitter. Criteria: Ambry Variant Classification Scheme 2023. Collection method: clinical testing. Allele origin: germline.

Labcorp Genetics (formerly Invitae), Labcorp
Classification: Benign for Proline dehydrogenase deficiency. Last evaluated: 2026-02-03. Review status: criteria provided, single submitter. Criteria: Invitae Variant Classification Sherloc (09022015). Collection method: clinical testing. Allele origin: germline.

Blueprint Genetics
Classification: Likely benign. Last evaluated: 2024-11-28. Review status: criteria provided, single submitter. Criteria: ACMG Guidelines, 2015. Collection method: clinical testing. Allele origin: germline.

Genome-Nilou Lab
Classification: Benign for Proline dehydrogenase deficiency. Last evaluated: 2021-10-25. Review status: criteria provided, single submitter. Criteria: ACMG Guidelines, 2015. Collection method: clinical testing. Allele origin: germline. Affected: no.

GeneDx
Classification: Benign. Last evaluated: 2018-11-12. Review status: criteria provided, single submitter. Criteria: GeneDx Variant Classification Process June 2021. Collection method: clinical testing. Allele origin: germline. Affected: yes.
Comment: This variant is associated with the following publications: (PMID: 24842239, 15662599)

Breakthrough Genomics
Classification: Benign. Review status: criteria provided, single submitter. Criteria: ACMG Guidelines, 2015. Collection method: not provided. Allele origin: germline. Inheritance: Autosomal dominant inheritance. Affected: yes.

Dr. Peter K. Rogan Lab, Western University
No classification provided (evidence only). Condition: Lung cancer. Review status: no classification provided. Collection method: in vitro. Allele origin: not applicable. Functional consequence: retained intron. Not counted in ClinVar's aggregate classification.

Dr. Peter K. Rogan Lab, Western University
No classification provided (evidence only). Condition: Uterine corpus endometrial carcinoma. Review status: no classification provided. Collection method: in vitro. Allele origin: not applicable. Functional consequence: retained intron. Not counted in ClinVar's aggregate classification.

Dr. Peter K. Rogan Lab, Western University
No classification provided (evidence only). Condition: Cervical cancer. Review status: no classification provided. Collection method: in vitro. Allele origin: not applicable. Functional consequence: retained intron. Not counted in ClinVar's aggregate classification.

Dr. Peter K. Rogan Lab, Western University
No classification provided (evidence only). Condition: Cervical cancer. Review status: no classification provided. Collection method: in vitro. Allele origin: not applicable. Functional consequence: retained intron. Not counted in ClinVar's aggregate classification.

Dr. Peter K. Rogan Lab, Western University
No classification provided (evidence only). Condition: Gastric cancer. Review status: no classification provided. Collection method: in vitro. Allele origin: not applicable. Functional consequence: retained intron. Not counted in ClinVar's aggregate classification.

NM_016335.6(PRODH):c.56C>A (p.Pro19Gln)

Gene: PRODH (proline dehydrogenase 1; minus strand). Cytogenetic location: 22q11.21.
Variant type: single nucleotide variant.
Coding change: c.56C>A on transcript NM_016335.6 (MANE Select); coding-DNA position 56, C replaced by A.
Protein change: p.Pro19Gln; replaces proline 19 with glutamine.
Molecular consequence: missense variant. On other transcripts: intron variant (1).
Genome position (GRCh38, 1-based): chr22:18,936,232, G>T on the plus strand (C>A on the coding strand, the complement: PRODH is on the minus strand). VCF-style: chr22-18936232-G-T. GRCh37 (hg19) VCF-style: chr22-18923745-G-T.
Other names: c.-52+158C>A (NM_001195226.2); short protein forms P19Q.
Identifiers: ClinVar variation 1168807 (VCV001168807.17), dbSNP rs2008720, ClinGen allele CA10095508.